The following is an entry in ClinVar:

ClinVar aggregate classification (germline): Uncertain significance (1 of 4 stars; one submission).

Submission:

Labcorp Genetics (formerly Invitae), Labcorp
Classification: Uncertain significance. Last evaluated: 2023-05-22. Review status: criteria provided, single submitter. Criteria: Invitae Variant Classification Sherloc (09022015). Collection method: clinical testing. Allele origin: germline.
Comment: In summary, the available evidence is currently insufficient to determine the role of this variant in disease. Therefore, it has been classified as a Variant of Uncertain Significance. Algorithms developed to predict the effect of sequence changes on RNA splicing suggest that this variant may disrupt the consensus splice site. This variant has not been reported in the literature in individuals affected with ATR-related conditions. This variant is present in population databases (no rsID available, gnomAD 0.0009%). This sequence change affects codon 499 of the ATR mRNA. It is a 'silent' change, meaning that it does not change the encoded amino acid sequence of the ATR protein.

NM_001184.4(ATR):c.1497G>A (p.Leu499=)

Gene: ATR (ATR checkpoint kinase; minus strand). Cytogenetic location: 3q23.
Variant type: single nucleotide variant.
Coding change: c.1497G>A on transcript NM_001184.4 (MANE Select); coding-DNA position 1497, G replaced by A.
Protein change: p.Leu499=; no amino-acid change (leucine 499 retained).
Molecular consequence: synonymous variant. On other transcripts: intron variant (1).
Genome position (GRCh38, 1-based): chr3:142,560,307, C>T on the plus strand (G>A on the coding strand, the complement: ATR is on the minus strand). VCF-style: chr3-142560307-C-T. GRCh37 (hg19) VCF-style: chr3-142279149-C-T.
Other names: c.1350-866G>A (NM_001354579.2).
Identifiers: ClinVar variation 2797682 (VCV002797682.3), dbSNP rs1407165206, ClinGen allele CA436129913.